The following is an entry in ClinVar:

ClinVar aggregate classification (germline): Benign (0 of 4 stars; one submission).

Conditions:
SLC28A1-related disorder. Also called: SLC28A1-related condition.

Allele frequency attached by ClinVar (database versions not stated): gnomAD exomes 0.87815; ExAC 0.88763; gnomAD 0.89453; TOPMed 0.89780; ESP Exome Variant Server 0.89888; 1000 Genomes Project 0.93071; 1000 Genomes Project 30x 0.93114.
gnomAD v4.1: 1,420,752 of 1,613,972 alleles (88%); highest among the groups gnomAD compares: East Asian, 96%; 626,315 homozygotes.

Submission:

PreventionGenetics, part of Exact Sciences
Classification: Benign for SLC28A1-related condition. Last evaluated: 2019-10-30. Review status: no assertion criteria provided. Collection method: clinical testing. Allele origin: germline.
Comment: This variant is classified as benign based on ACMG/AMP sequence variant interpretation guidelines (Richards et al. 2015 PMID: 25741868, with internal and published modifications).

NM_004213.5(SLC28A1):c.1368A>G (p.Gln456=)

Gene: SLC28A1 (solute carrier family 28 member 1; plus strand). Cytogenetic location: 15q25.3.
Variant type: single nucleotide variant.
Coding change: c.1368A>G on transcript NM_004213.5 (MANE Select); coding-DNA position 1368, A replaced by G.
Protein change: p.Gln456=; no amino-acid change (glutamine 456 retained).
Molecular consequence: synonymous variant. On other transcripts: intron variant (1).
Genome position (GRCh38, 1-based): chr15:84,935,179, A>G. VCF-style: chr15-84935179-A-G. GRCh37 (hg19) VCF-style: chr15-85478410-A-G.
Other names: c.1368A>G, p.Gln456= (NM_001287762.2, NM_001321721.2, NM_001321722.2); c.1084-8266A>G (NM_001287761.2).
Identifiers: ClinVar variation 3060136 (VCV003060136.2), dbSNP rs2242048, ClinGen allele CA7710787.